The following is an entry in ClinVar:

ClinVar aggregate classification (germline): Likely benign. Review status: criteria provided, multiple submitters, no conflicts (2 of 4 stars). 4 submissions from 4 submitters: Likely benign (3). 1 of the submissions does not count toward it. Last evaluated 2026-01-28.

Conditions:
BMP1-related disorder. Also called: BMP1-related condition.

Allele frequency attached by ClinVar (database versions not stated): TOPMed 0.00011; gnomAD 0.00014 and 0.00015; ESP Exome Variant Server 0.00015; 1000 Genomes Project 0.00020; ExAC 0.00024; gnomAD exomes 0.00025; 1000 Genomes Project 30x 0.00031.
gnomAD v4.1: 279 of 1,614,184 alleles (0.017%); highest among the groups gnomAD compares: Non-Finnish European, 0.019%; no homozygotes.

Submissions (4):

Labcorp Genetics (formerly Invitae), Labcorp
Classification: Likely benign. Last evaluated: 2026-01-28. Review status: criteria provided, single submitter. Criteria: Invitae Variant Classification Sherloc (09022015). Collection method: clinical testing. Allele origin: germline.

CeGaT Center for Human Genetics Tuebingen
Classification: Likely benign. Last evaluated: 2022-04-01. Review status: criteria provided, single submitter. Criteria: CeGaT Center For Human Genetics Tuebingen Variant Classification Criteria Version 2. Collection method: clinical testing. Allele origin: germline. Affected: yes. Observed: 2 variant alleles.
Comment: BMP1: BP4, BP7

GeneDx
Classification: Likely benign. Last evaluated: 2019-10-24. Review status: criteria provided, single submitter. Criteria: GeneDx Variant Classification Process June 2021. Collection method: clinical testing. Allele origin: germline. Affected: yes.

PreventionGenetics, part of Exact Sciences
Classification: Likely benign for BMP1-related condition. Last evaluated: 2019-08-27. Review status: no assertion criteria provided. Collection method: clinical testing. Allele origin: germline. Not counted in ClinVar's aggregate classification.
Comment: This variant is classified as likely benign based on ACMG/AMP sequence variant interpretation guidelines (Richards et al. 2015 PMID: 25741868, with internal and published modifications).

NM_006129.5(BMP1):c.2322G>A (p.Thr774=)

Gene: BMP1 (bone morphogenetic protein 1; plus strand). Cytogenetic location: 8p21.3.
Variant type: single nucleotide variant.
Coding change: c.2322G>A on transcript NM_006129.5 (MANE Select); coding-DNA position 2322, G replaced by A.
Protein change: p.Thr774=; no amino-acid change (threonine 774 retained).
Molecular consequence: synonymous variant. On other transcripts: non-coding transcript variant (1).
Genome position (GRCh38, 1-based): chr8:22,206,942, G>A. VCF-style: chr8-22206942-G-A. GRCh37 (hg19) VCF-style: chr8-22064455-G-A.
Identifiers: ClinVar variation 1205696 (VCV001205696.36), dbSNP rs138999760, ClinGen allele CA4665198.